The following is an entry in ClinVar:

NM_002524.5(NRAS):c.449A>G (p.Gln150Arg)

Gene: NRAS (NRAS proto-oncogene, GTPase; minus strand). Cytogenetic location: 1p13.2.
Variant type: single nucleotide variant.
Coding change: c.449A>G on transcript NM_002524.5 (MANE Select); coding-DNA position 449, A replaced by G.
Protein change: p.Gln150Arg; replaces glutamine 150 with arginine.
Molecular consequence: missense variant.
Genome position (GRCh38, 1-based): chr1:114,709,570, T>C on the plus strand (A>G on the coding strand, the complement: NRAS is on the minus strand). VCF-style: chr1-114709570-T-C. GRCh37 (hg19) VCF-style: chr1-115252191-T-C.
Other names: short protein forms Q150R.
Identifiers: ClinVar variation 1320232 (VCV001320232.1), dbSNP rs2101738598, ClinGen allele CA341739009.

ClinVar aggregate classification (germline): Likely pathogenic (1 of 4 stars; one submission).

Conditions:
Noonan syndrome 6 (NS6). Also called: NRAS-Related Noonan Syndrome. Identifiers: Orphanet 648, MedGen C2750732, MONDO:0013186, OMIM 613224.

Submission:

3billion
Classification: Likely pathogenic for Noonan syndrome 6. Last evaluated: 2021-10-02. Review status: criteria provided, single submitter. Criteria: ACMG Guidelines, 2015. Collection method: clinical testing. Allele origin: unknown. Affected: yes. Observed: 1 heterozygote.
Comment: The missense variant is located in a mutational hot spot and/or well-established functional domain in which established pathogenic variants have been reported (PM1). It is not observed in the gnomAD v2.1.1 dataset (PM2). Missense changes are a common disease-causing mechanism (PP2). In silico tool predictions suggest damaging effect of the variant on gene or gene product (3Cnet: 0.850, PP3). Therefore, this variant is classified as likely pathogenic according to the recommendation of ACMG/AMP guideline.